The following is an entry in ClinVar:

ClinVar aggregate classification (germline): Uncertain significance (1 of 4 stars; one submission).

Conditions:
Hereditary cancer-predisposing syndrome. Also called: Neoplastic Syndromes, Hereditary; Tumor predisposition; Hereditary Cancer Syndrome; Hereditary neoplastic syndrome. Identifiers: Orphanet 140162, MedGen C0027672, MeSH D009386, MONDO:0015356.

Submission:

Ambry Genetics
Classification: Uncertain significance for Hereditary cancer-predisposing syndrome. Last evaluated: 2020-08-13. Review status: criteria provided, single submitter. Criteria: Ambry Variant Classification Scheme 2023. Collection method: clinical testing. Allele origin: germline.
Comment: The p.R2319G variant (also known as c.6955A>G), located in coding exon 12 of the BRCA2 gene, results from an A to G substitution at nucleotide position 6955. The arginine at codon 2319 is replaced by glycine, an amino acid with dissimilar properties. This amino acid position is well conserved in available vertebrate species. In addition, the in silico prediction for this alteration is inconclusive. Since supporting evidence is limited at this time, the clinical significance of this alteration remains unclear.

Literature cited by the submitters: PubMed 29884841.

NM_000059.4(BRCA2):c.6955A>G (p.Arg2319Gly)

Gene: BRCA2 (BRCA2 DNA repair associated; plus strand). Cytogenetic location: 13q13.1.
Variant type: single nucleotide variant.
Coding change: c.6955A>G on transcript NM_000059.4 (MANE Select); coding-DNA position 6955, A replaced by G.
Protein change: p.Arg2319Gly; replaces arginine 2319 with glycine.
Molecular consequence: missense variant.
Genome position (GRCh38, 1-based): chr13:32,346,844, A>G. VCF-style: chr13-32346844-A-G. GRCh37 (hg19) VCF-style: chr13-32920981-A-G.
Other names: c.6859A>G, p.Arg2287Gly (NM_001406719.1); c.6955A>G, p.Arg2319Gly (NM_001406720.1); c.2023A>G, p.Arg675Gly (NM_001406721.1); c.538A>G, p.Arg180Gly (NM_001406722.1); short protein forms R180G, R675G, R2287G, R2319G.
Identifiers: ClinVar variation 1756300 (VCV001756300.2), dbSNP rs2548537014, ClinGen allele CA387792996.
Genomic context (GRCh38, chr13:32,346,844, plus strand): 5'-TTAGATTTTAACTAATATGTAATATAAAATAATTGTTTCCTAGGCACAATAAAAGATCGA[A>G]GATTGTTTATGCATCATGTTTCTTTAGAGCCGATTACCTGTGTACCCTTTCGGTAAGACA-3'
Protein context (NP_000050.3, residues 2309-2329): STPDGTIKDR[Arg2319Gly]LFMHHVSLEP